The following is an entry in ClinVar:

ClinVar aggregate classification (germline): Uncertain significance (1 of 4 stars; one submission).

Submission:

Labcorp Genetics (formerly Invitae), Labcorp
Classification: Uncertain significance. Last evaluated: 2024-05-31. Review status: criteria provided, single submitter. Criteria: Invitae Variant Classification Sherloc (09022015). Collection method: clinical testing. Allele origin: germline.
Comment: This sequence change creates a premature translational stop signal (p.Pro321Leufs*5) in the IL12RB2 gene. It is expected to result in an absent or disrupted protein product. However, the current clinical and genetic evidence is not sufficient to establish whether loss-of-function variants in IL12RB2 cause disease. This variant is present in population databases (rs762742625, gnomAD 0.03%). This variant has not been reported in the literature in individuals affected with IL12RB2-related conditions. ClinVar contains an entry for this variant (Variation ID: 2158532). In summary, the available evidence is currently insufficient to determine the role of this variant in disease. Therefore, it has been classified as a Variant of Uncertain Significance.

NM_001374259.2(IL12RB2):c.962del (p.Pro321fs)

Gene: IL12RB2 (interleukin 12 receptor subunit beta 2; plus strand). Cytogenetic location: 1p31.3.
Variant type: Deletion.
Coding change: c.962del on transcript NM_001374259.2 (MANE Select); coding-DNA position 962, one base deleted (C; older notation c.962delC).
Protein change: p.Pro321fs; shifts the reading frame from proline 321.
Molecular consequence: frameshift variant. On other transcripts: non-coding transcript variant (2).
Genome position (GRCh38, 1-based): chr1:67,338,627, C deleted; the last of 2 consecutive C bases (chr1:67,338,626-67,338,627); deleting either gives the same sequence. VCF-style (leftmost placement, unchanged base first): chr1-67338625-GC-G. GRCh37 (hg19) VCF-style: chr1-67804308-GC-G.
Other names: c.962del, p.Pro321fs (NM_001258214.1, NM_001258215.1, NM_001258216.1 and 2 more transcripts); short protein forms P321fs.
Identifiers: ClinVar variation 2158532 (VCV002158532.4), dbSNP rs762742625, ClinGen allele CA900350.